The following is an entry in ClinVar:

ClinVar aggregate classification (germline): Uncertain significance. Review status: criteria provided, multiple submitters, no conflicts (2 of 4 stars). 5 submissions from 5 submitters: Uncertain significance (5). Last evaluated 2025-05-19.

Conditions:
Episodic ataxia type 2 (EA2). Also called: ATAXIA, EPISODIC, WITH NYSTAGMUS; ATAXIA, FAMILIAL PAROXYSMAL; ACETAZOLAMIDE-RESPONSIVE HEREDITARY PAROXYSMAL CEREBELLAR ATAXIA; CEREBELLAR ATAXIA, PAROXYSMAL, ACETAZOLAMIDE-RESPONSIVE; CEREBELLOPATHY, HEREDITARY PAROXYSMAL; EPISODIC ATAXIA, NYSTAGMUS-ASSOCIATED. Identifiers: Orphanet 97, MedGen C1720416, MONDO:0007163, OMIM 108500.
Developmental and epileptic encephalopathy, 42 (DEE42A). Also called: DEVELOPMENTAL AND EPILEPTIC ENCEPHALOPATHY 42A; EPILEPTIC ENCEPHALOPATHY, EARLY INFANTILE, 42A; Epileptic encephalopathy, early infantile, 42. Identifiers: MedGen C4310716, MONDO:0014917, OMIM 617106.
CACNA1A-related disorder. Also called: CACNA1A-related condition.
Inborn genetic diseases. Identifiers: MedGen C0950123, MeSH D030342.

Submissions (5):

Labcorp Genetics (formerly Invitae), Labcorp
Classification: Uncertain significance for Developmental and epileptic encephalopathy, 42; Episodic ataxia type 2. Last evaluated: 2025-05-19. Review status: criteria provided, single submitter. Criteria: Invitae Variant Classification Sherloc (09022015). Collection method: clinical testing. Allele origin: germline.
Comment: This variant, c.2504_2506del, results in the deletion of 1 amino acid(s) of the CACNA1A protein (p.Asn835del), but otherwise preserves the integrity of the reading frame. This variant is present in population databases (rs750962335, gnomAD 0.007%). This variant has not been reported in the literature in individuals affected with CACNA1A-related conditions. ClinVar contains an entry for this variant (Variation ID: 589620). Experimental studies and prediction algorithms are not available or were not evaluated, and the functional significance of this variant is currently unknown. In summary, the available evidence is currently insufficient to determine the role of this variant in disease. Therefore, it has been classified as a Variant of Uncertain Significance.

GeneDx
Classification: Uncertain significance. Last evaluated: 2023-06-29. Review status: criteria provided, single submitter. Criteria: GeneDx Variant Classification Process June 2021. Collection method: clinical testing. Allele origin: germline. Affected: yes.
Comment: In-frame deletion of 1 amino acid in a non-repeat region; In silico analysis supports a deleterious effect on protein structure/function; Has not been previously published as pathogenic or benign to our knowledge

PreventionGenetics, part of Exact Sciences
Classification: Uncertain significance for CACNA1A-related condition. Last evaluated: 2023-02-08. Review status: criteria provided, single submitter. Criteria: ACMG Guidelines, 2015. Collection method: clinical testing. Allele origin: germline.
Comment: The CACNA1A c.2501_2503delACA variant is predicted to result in an in-frame deletion (p.Asn834del). To our knowledge, this variant has not been reported in the literature. This variant is reported in 0.0071% of alleles in individuals of European (Non-Finnish) descent in gnomAD. At this time, the clinical significance of this variant is uncertain due to the absence of conclusive functional and genetic evidence.

CeGaT Center for Human Genetics Tuebingen
Classification: Uncertain significance. Last evaluated: 2019-08-01. Review status: criteria provided, single submitter. Criteria: CeGaT Center For Human Genetics Tuebingen Variant Classification Criteria Version 2. Collection method: clinical testing. Allele origin: germline. Affected: yes. Observed: 1 variant allele.

Ambry Genetics
Classification: Uncertain significance for Inborn genetic diseases. Last evaluated: 2017-04-20. Review status: criteria provided, single submitter. Criteria: Ambry Variant Classification Scheme 2023. Collection method: clinical testing. Allele origin: germline.
Comment: The c.2504_2506delACA variant (also known as p.N835del) is located in coding exon 19 of the CACNA1A gene. This variant results from an in-frame ACA deletion at nucleotide positions 2504 to 2506. This results in the in-frame deletion of an asparagine at codon 835. This amino acid position is highly conserved in available vertebrate species. Since supporting evidence is limited at this time, the clinical significance of this alteration remains unclear.

NM_001127222.2(CACNA1A):c.2495ACA[2] (p.Asn834del)

Gene: CACNA1A (calcium voltage-gated channel subunit alpha1 A; minus strand). Cytogenetic location: 19p13.13.
Variant type: Microsatellite.
Coding change: c.2495ACA[2] on transcript NM_001127222.2 (MANE Select); two copies in a row of the 3-base unit ACA starting at c.2495; the reference has three copies in a row; one copy, 3 bases deleted.
Protein change: p.Asn834del; deletes asparagine 834.
Molecular consequence: inframe deletion.
Genome position (GRCh38, 1-based): chr19:13,299,130-13,299,132, TGT deleted on the plus strand (ACA on the coding strand, the reverse complement: CACNA1A is on the minus strand); deleting any 3 consecutive bases within chr19:13,299,130-13,299,140 gives the same sequence; the position shown is the placement nearest the transcript's 3' end. VCF-style (leftmost placement, unchanged base first): chr19-13299129-GTGT-G. GRCh37 (hg19) VCF-style: chr19-13409943-GTGT-G.
Other names: c.2504_2506delACA (NM_001127221.1); c.2507ACA[2], p.Asn838del (NM_000068.4, NM_023035.3); c.2498ACA[2], p.Asn835del (NM_001127221.2, NM_001174080.2); c.2501_2503delACA (NM_001127222.1); short protein forms N835del, N834del, N838del.
Identifiers: ClinVar variation 589620 (VCV000589620.54), dbSNP rs750962335, ClinGen allele CA9240540.